The following is an entry in ClinVar:

NM_001942.4(DSG1):c.1193T>C (p.Met398Thr)

Gene: DSG1 (desmoglein 1; plus strand). Cytogenetic location: 18q12.1.
Variant type: single nucleotide variant.
Coding change: c.1193T>C on transcript NM_001942.4 (MANE Select); coding-DNA position 1193, T replaced by C.
Protein change: p.Met398Thr; replaces methionine 398 with threonine.
Molecular consequence: missense variant.
Genome position (GRCh38, 1-based): chr18:31,336,541, T>C. VCF-style: chr18-31336541-T-C. GRCh37 (hg19) VCF-style: chr18-28916504-T-C.
Other names: short protein forms M398T.
Identifiers: ClinVar variation 2158989 (VCV002158989.4), dbSNP rs754188744, ClinGen allele CA8926032.
Genomic context (GRCh38, chr18:31,336,541, plus strand): 5'-ATGTAATTGAAGGCCCAGTGTTTCGTCCAGGTTCAAAGACATATGTTGTAACTGGTAATA[T>C]GGGATCAAATGATAAAGTGGGAGACTTTGTAGCTACTGACCTGGACACAGGTAGACCTTC-3'
Protein context (NP_001933.2, residues 388-408): GSKTYVVTGN[Met398Thr]GSNDKVGDFV

ClinVar aggregate classification (germline): Uncertain significance (1 of 4 stars; one submission).

Allele frequency attached by ClinVar (database versions not stated): gnomAD 0.00001; ExAC 0.00002; TOPMed 0.00002.
gnomAD v4.1: 8 of 1,613,922 alleles (0.0005%); highest among the groups gnomAD compares: Non-Finnish European, 0.00068%; no homozygotes.

Submission:

Labcorp Genetics (formerly Invitae), Labcorp
Classification: Uncertain significance. Last evaluated: 2025-10-29. Review status: criteria provided, single submitter. Criteria: Invitae Variant Classification Sherloc (09022015). Collection method: clinical testing. Allele origin: germline.
Comment: This sequence change replaces methionine, which is neutral and non-polar, with threonine, which is neutral and polar, at codon 398 of the DSG1 protein (p.Met398Thr). This variant is present in population databases (rs754188744, gnomAD 0.0009%). This variant has not been reported in the literature in individuals affected with DSG1-related conditions. ClinVar contains an entry for this variant (Variation ID: 2158989). Invitae Evidence Modeling of protein sequence and biophysical properties (such as structural, functional, and spatial information, amino acid conservation, physicochemical variation, residue mobility, and thermodynamic stability) indicates that this missense variant is not expected to disrupt DSG1 protein function with a negative predictive value of 80%. In summary, the available evidence is currently insufficient to determine the role of this variant in disease. Therefore, it has been classified as a Variant of Uncertain Significance.